The following is an entry in ClinVar:

ClinVar aggregate classification (germline): Likely pathogenic (1 of 4 stars; one submission).
ClinVar aggregate classification (somatic clinical impact): Tier I - Strong (1 of 4 stars; one submission).

Conditions:
Medulloblastoma WNT activated. Identifiers: MedGen C4331965, MONDO:0850196.

Submissions (2):

GeneDx
Classification: Likely pathogenic. Last evaluated: 2026-10-18. Review status: criteria provided, single submitter. Criteria: GeneDx Variant Classification Process June 2021. Collection method: clinical testing. Allele origin: germline.
Comment: Not observed at significant frequency in large population cohorts (gnomAD); In silico analysis supports that this missense variant has a deleterious effect on protein structure/function; This variant is associated with the following publications: (PMID: 35904121, 23913813, 27302555, 30459467, 31363182, 39400990, 40702308)

Institute for Genomic Medicine (IGM) Clinical Laboratory, Nationwide Children's Hospital
Classification: Tier I - Strong for Medulloblastoma WNT activated. Assertion type: diagnostic. Clinical significance: supports diagnosis. Last evaluated: 2025-05-19. Review status: criteria provided, single submitter. Criteria: AMP/ASCO/CAP Guidelines, 2017. Collection method: clinical testing. Allele origin: somatic. Affected: yes.
Comment: Variant has Tier I (strong) clinical significance as a diagnostic inclusion criterion in medulloblastoma WNT activated, based on the following evidence: 1) Documented in one or more cancer databases (e.g., St. Jude Pecan, COSMIC, CIViC, OncoKB). 2) Appears in one or more well-established professional guidelines (e.g., World Health Organization [WHO]; National Comprehensive Cancer Network [NCCN]) as providing diagnostic, prognostic, or therapeutic information. 3) Diagnostic for a specific tumor type/classification based on well-powered studies with expert-level consensus (Evidence Level B; PMIDs: 21163964, 22832583, 28726821, 23184418, 22820256).

Literature cited by the submitters: PubMed 21163964 (cited by Institute for Genomic Medicine (IGM) Clinical Laboratory, Nationwide Children's Hospital); PubMed 22832583 (cited by Institute for Genomic Medicine (IGM) Clinical Laboratory, Nationwide Children's Hospital); PubMed 28726821 (cited by Institute for Genomic Medicine (IGM) Clinical Laboratory, Nationwide Children's Hospital); PubMed 23184418 (cited by Institute for Genomic Medicine (IGM) Clinical Laboratory, Nationwide Children's Hospital); PubMed 22820256 (cited by Institute for Genomic Medicine (IGM) Clinical Laboratory, Nationwide Children's Hospital).

NM_003482.4(KMT2D):c.4267C>T (p.Arg1423Cys)

Gene: KMT2D (lysine methyltransferase 2D; minus strand). Cytogenetic location: 12q13.12.
Variant type: single nucleotide variant.
Coding change: c.4267C>T on transcript NM_003482.4 (MANE Select); coding-DNA position 4267, C replaced by T.
Protein change: p.Arg1423Cys; replaces arginine 1423 with cysteine.
Molecular consequence: missense variant.
Genome position (GRCh38, 1-based): chr12:49,046,760, G>A on the plus strand (C>T on the coding strand, the complement: KMT2D is on the minus strand). VCF-style: chr12-49046760-G-A. GRCh37 (hg19) VCF-style: chr12-49440543-G-A.
Other names: short protein forms R1423C.
Identifiers: ClinVar variation 4530508 (VCV004530508.3).